The following is an entry in ClinVar:

NM_144658.4(DOCK11):c.236G>A (p.Arg79His)

Gene: DOCK11 (dedicator of cytokinesis 11; plus strand). Cytogenetic location: Xq24.
Variant type: single nucleotide variant.
Coding change: c.236G>A on transcript NM_144658.4 (MANE Select); coding-DNA position 236, G replaced by A.
Protein change: p.Arg79His; replaces arginine 79 with histidine.
Molecular consequence: missense variant.
Genome position (GRCh38, 1-based): chrX:118,542,942, G>A. VCF-style: chrX-118542942-G-A. GRCh37 (hg19) VCF-style: chrX-117676905-G-A.
Other names: short protein forms R79H.
Identifiers: ClinVar variation 2661265 (VCV002661265.24), dbSNP rs149761078, ClinGen allele CA10498679.

ClinVar aggregate classification (germline): Likely benign (1 of 4 stars; one submission).

Allele frequency attached by ClinVar (database versions not stated): gnomAD exomes 0.00002; gnomAD 0.00004; TOPMed 0.00006; ExAC 0.00007; ESP Exome Variant Server 0.00009.
gnomAD v4.1: 32 of 1,208,141 alleles (0.0026%); highest among the groups gnomAD compares: Middle Eastern, 0.023%; no homozygotes.

Submission:

CeGaT Center for Human Genetics Tuebingen
Classification: Likely benign. Last evaluated: 2022-12-01. Review status: criteria provided, single submitter. Criteria: CeGaT Center For Human Genetics Tuebingen Variant Classification Criteria Version 2. Collection method: clinical testing. Allele origin: germline. Affected: yes. Observed: 1 variant allele.
Comment: DOCK11: BS2